The following is an entry in ClinVar:

ClinVar aggregate classification (germline): Uncertain significance (1 of 4 stars; one submission).

Allele frequency attached by ClinVar (database versions not stated): gnomAD exomes below 0.00001.
gnomAD v4.1: 1 of 1,551,346 alleles (0.000064%); highest among the groups gnomAD compares: South Asian, 0.0012%; no homozygotes.

Submission:

Labcorp Genetics (formerly Invitae), Labcorp
Classification: Uncertain significance. Last evaluated: 2023-09-10. Review status: criteria provided, single submitter. Criteria: Invitae Variant Classification Sherloc (09022015). Collection method: clinical testing. Allele origin: germline.
Comment: In summary, the available evidence is currently insufficient to determine the role of this variant in disease. Therefore, it has been classified as a Variant of Uncertain Significance. Variants that disrupt the consensus splice site are a relatively common cause of aberrant splicing (PMID: 17576681, 9536098). Algorithms developed to predict the effect of sequence changes on RNA splicing suggest that this variant may create or strengthen a splice site. ClinVar contains an entry for this variant (Variation ID: 2022552). This variant has not been reported in the literature in individuals affected with TUBG1-related conditions. The frequency data for this variant in the population databases is considered unreliable, as metrics indicate poor data quality at this position in the gnomAD database. This sequence change falls in intron 1 of the TUBG1 gene. It does not directly change the encoded amino acid sequence of the TUBG1 protein. It affects a nucleotide within the consensus splice site.

Literature cited by the submitters: PubMed 17576681; PubMed 9536098.

NM_001070.5(TUBG1):c.49+3G>A

Gene: TUBG1 (tubulin gamma 1; plus strand). Cytogenetic location: 17q21.2.
Variant type: single nucleotide variant.
Coding change: c.49+3G>A on transcript NM_001070.5 (MANE Select); 3 bases into the intron after coding-DNA position 49, G replaced by A.
Molecular consequence: intron variant.
Genome position (GRCh38, 1-based): chr17:42,609,789, G>A. VCF-style: chr17-42609789-G-A. GRCh37 (hg19) VCF-style: chr17-40761807-G-A.
Identifiers: ClinVar variation 2022552 (VCV002022552.4), dbSNP rs1342325542, ClinGen allele CA626062999.